The following is an entry in ClinVar:

NM_198428.3(BBS9):c.1426T>A (p.Phe476Ile)

Gene: BBS9 (Bardet-Biedl syndrome 9; plus strand). Cytogenetic location: 7p14.3.
Variant type: single nucleotide variant.
Coding change: c.1426T>A on transcript NM_198428.3 (MANE Select); coding-DNA position 1426, T replaced by A.
Protein change: p.Phe476Ile; replaces phenylalanine 476 with isoleucine.
Molecular consequence: missense variant. On other transcripts: non-coding transcript variant (3).
Genome position (GRCh38, 1-based): chr7:33,349,164, T>A. VCF-style: chr7-33349164-T-A. GRCh37 (hg19) VCF-style: chr7-33388776-T-A.
Other names: c.1426T>A, p.Phe476Ile (NM_001033604.2, NM_001033605.2, NM_001348036.1 and 7 more transcripts); c.1060T>A, p.Phe354Ile (NM_001348037.3, NM_001348044.3, NM_001348045.3 and 1 more transcripts); c.1153T>A, p.Phe385Ile (NM_001348038.3, NM_001348039.3); c.1291T>A, p.Phe431Ile (NM_001348042.3); c.1426T>A (NM_198428.2); short protein forms F354I, F431I, F476I, F385I.
Identifiers: ClinVar variation 2079207 (VCV002079207.5), dbSNP rs2535994541, ClinGen allele CA367255644.

ClinVar aggregate classification (germline): Uncertain significance. Review status: criteria provided, multiple submitters, no conflicts (2 of 4 stars). 2 submissions from 2 submitters: Uncertain significance (2). Last evaluated 2024-10-31.

Conditions:
Bardet-Biedl syndrome (BBS). Identifiers: Orphanet 110, MedGen C0752166, MONDO:0015229.
BBS9-related disorder. Also called: BBS9-related condition.

Submissions (2):

PreventionGenetics, part of Exact Sciences
Classification: Uncertain significance for BBS9-related condition. Last evaluated: 2024-10-31. Review status: criteria provided, single submitter. Criteria: ACMG Guidelines, 2015. Collection method: clinical testing. Allele origin: germline.
Comment: The BBS9 c.1426T>A variant is predicted to result in the amino acid substitution p.Phe476Ile. To our knowledge, this variant has not been reported in the literature or in a large population database (gnomAD), indicating this variant is rare. At this time, the clinical significance of this variant is uncertain due to the absence of conclusive functional and genetic evidence.

Labcorp Genetics (formerly Invitae), Labcorp
Classification: Uncertain significance for Bardet-Biedl syndrome. Last evaluated: 2022-08-09. Review status: criteria provided, single submitter. Criteria: Invitae Variant Classification Sherloc (09022015). Collection method: clinical testing. Allele origin: germline.
Comment: In summary, the available evidence is currently insufficient to determine the role of this variant in disease. Therefore, it has been classified as a Variant of Uncertain Significance. Algorithms developed to predict the effect of missense changes on protein structure and function are either unavailable or do not agree on the potential impact of this missense change (SIFT: "Deleterious"; PolyPhen-2: "Benign"; Align-GVGD: "Class C15"). This variant has not been reported in the literature in individuals affected with BBS9-related conditions. This variant is not present in population databases (gnomAD no frequency). This sequence change replaces phenylalanine, which is neutral and non-polar, with isoleucine, which is neutral and non-polar, at codon 476 of the BBS9 protein (p.Phe476Ile).